The following is an entry in ClinVar:

ClinVar aggregate classification (germline): Uncertain significance (1 of 4 stars; one submission).

Conditions:
Rauch-Steindl syndrome (RAUST). Identifiers: Orphanet 659642, MedGen C5562061, MONDO:0859219, OMIM 619695.

Submission:

MVZ Medizinische Genetik Mainz
Classification: Uncertain significance for Rauch-Steindl syndrome. Last evaluated: 2024-06-18. Review status: criteria provided, single submitter. Criteria: UK Practice Guidelines For Variant Classification V4 01 2020. Collection method: clinical testing. Allele origin: germline. Inheritance: Autosomal dominant inheritance. Affected: yes. Observed: 1 variant allele.
Comment: ACMG Criteria: PM1_SUP,PM2_SUP,PP2

NM_001042424.3(NSD2):c.3338A>G (p.Asp1113Gly)

Gene: NSD2 (nuclear receptor binding SET domain protein 2; plus strand). Cytogenetic location: 4p16.3.
Variant type: single nucleotide variant.
Coding change: c.3338A>G on transcript NM_001042424.3 (MANE Select); coding-DNA position 3338, A replaced by G.
Protein change: p.Asp1113Gly; replaces aspartic acid 1113 with glycine.
Molecular consequence: missense variant.
Genome position (GRCh38, 1-based): chr4:1,961,117, A>G. VCF-style: chr4-1961117-A-G. GRCh37 (hg19) VCF-style: chr4-1962844-A-G.
Other names: c.3338A>G, p.Asp1113Gly (NM_133330.3, NM_133331.3, NM_133335.4); short protein forms D1113G.
Identifiers: ClinVar variation 3256648 (VCV003256648.1).